The following is an entry in ClinVar:

ClinVar aggregate classification (germline): Likely benign. Review status: criteria provided, multiple submitters, no conflicts (2 of 4 stars). 3 submissions from 3 submitters: Likely benign (2). 1 of the submissions does not count toward it. Last evaluated 2025-03-31.

Conditions:
PAX2-Related Disorder. Also called: PAX2-related disorders. Identifiers: MedGen CN381309.
Renal coloboma syndrome (PAPRS). Also called: PAPILLORENAL SYNDROME WITH MILD OCULAR ABNORMALITIES; CONGENITAL ANOMALIES OF THE KIDNEY AND URINARY TRACT WITH OR WITHOUT OCULAR ABNORMALITIES; CAKUT WITH OR WITHOUT OCULAR ABNORMALITIES; PAPILLORENAL SYNDROME; COLOBOMA OF OPTIC NERVE WITH RENAL DISEASE; OPTIC COLOBOMA, VESICOURETERAL REFLUX, AND RENAL ANOMALIES. Identifiers: Orphanet 1475, MedGen C1852759, MONDO:0007352, OMIM 120330.
Focal segmental glomerulosclerosis 7 (FSGS7). Identifiers: Orphanet 656, MedGen C4014925, MONDO:0014451, OMIM 616002.

Allele frequency attached by ClinVar (database versions not stated): gnomAD 0.00003 and 0.00005; TOPMed 0.00005; gnomAD exomes 0.00007 and 0.00012; ExAC 0.00013.
gnomAD v4.1: 109 of 1,612,068 alleles (0.0068%); highest among the groups gnomAD compares: South Asian, 0.063%; no homozygotes.

Submissions (3):

Labcorp Genetics (formerly Invitae), Labcorp
Classification: Likely benign for Renal coloboma syndrome; Focal segmental glomerulosclerosis 7. Last evaluated: 2025-03-31. Review status: criteria provided, single submitter. Criteria: Invitae Variant Classification Sherloc (09022015). Collection method: clinical testing. Allele origin: germline.

Blueprint Genetics
Classification: Likely benign. Last evaluated: 2024-11-15. Review status: criteria provided, single submitter. Criteria: ACMG Guidelines, 2015. Collection method: clinical testing. Allele origin: germline.

PreventionGenetics, part of Exact Sciences
Classification: Likely benign for PAX2-related condition. Last evaluated: 2019-08-09. Review status: no assertion criteria provided. Collection method: clinical testing. Allele origin: germline. Not counted in ClinVar's aggregate classification.
Comment: This variant is classified as likely benign based on ACMG/AMP sequence variant interpretation guidelines (Richards et al. 2015 PMID: 25741868, with internal and published modifications).

NM_000278.5(PAX2):c.96C>G (p.Pro32=)

Gene: PAX2 (paired box 2; plus strand). Cytogenetic location: 10q24.31.
Variant type: single nucleotide variant.
Coding change: c.96C>G on transcript NM_000278.5 (MANE Select); coding-DNA position 96, C replaced by G.
Protein change: p.Pro32=; no amino-acid change (proline 32 retained).
Molecular consequence: synonymous variant.
Genome position (GRCh38, 1-based): chr10:100,749,798, C>G. VCF-style: chr10-100749798-C-G. GRCh37 (hg19) VCF-style: chr10-102509555-C-G.
Other names: c.96C>G (NM_003990.4); c.189C>G, p.Pro63= (NM_001304569.2); c.96C>G, p.Pro32= (NM_003987.5, NM_003988.5, NM_003989.5 and 1 more transcripts).
Identifiers: ClinVar variation 1609814 (VCV001609814.11), dbSNP rs757633295, ClinGen allele CA5650647.